The following is an entry in ClinVar:

ClinVar aggregate classification (germline): Uncertain significance (1 of 4 stars; one submission).

Submission:

Women's Health and Genetics/Laboratory Corporation of America, LabCorp
Classification: Uncertain significance. Last evaluated: 2024-08-27. Review status: criteria provided, single submitter. Criteria: LabCorp Variant Classification Summary - May 2015. Collection method: clinical testing. Allele origin: germline.
Comment: Variant summary: The variant involves the duplication of exons 45-59 in the KMT2C gene. A presumed nomenclature of c.(11670+1_11671-1)_(*1908_?)dup has been designated for the purposes of this classification. The exact breakpoint at the 3' end of this variant is unknown, therefore this duplication may extend downstream of the annotated region of the gene. As it duplicates the termination codon, its effect on the encoded protein is unknown. The variant was absent in 21694 control chromosomes. The available data on variant occurrences in the general population are insufficient to allow any conclusion about variant significance. To our knowledge, no occurrence of c.(11670+1_11671-1)_(*1908_?)dup in individuals affected with Kleefstra Syndrome 2 and no experimental evidence demonstrating its impact on protein function have been reported. No submitters have cited clinical-significance assessments for this variant to ClinVar. Based on the evidence outlined above, the variant was classified as uncertain significance.

NC_000007.13:g.(?_151832009)_(151853432_151855947)dup

Gene: KMT2C (lysine methyltransferase 2C; minus strand). Cytogenetic location: 7q36.1.
Variant type: Duplication.
Identifiers: ClinVar variation 3366566 (VCV003366566.1).